The following is an entry in ClinVar:

NM_001367561.1(DOCK7):c.5183G>A (p.Arg1728Gln)

Gene: DOCK7 (dedicator of cytokinesis 7; minus strand). Cytogenetic location: 1p31.3.
Variant type: single nucleotide variant.
Coding change: c.5183G>A on transcript NM_001367561.1 (MANE Select); coding-DNA position 5183, G replaced by A.
Protein change: p.Arg1728Gln; replaces arginine 1728 with glutamine.
Molecular consequence: missense variant.
Genome position (GRCh38, 1-based): chr1:62,494,309, C>T on the plus strand (G>A on the coding strand, the complement: DOCK7 is on the minus strand). VCF-style: chr1-62494309-C-T. GRCh37 (hg19) VCF-style: chr1-62959980-C-T.
Other names: c.5156G>A, p.Arg1719Gln (NM_001271999.2, NM_001330614.2); c.5063G>A, p.Arg1688Gln (NM_001272000.2, NM_001272001.2); c.5090G>A, p.Arg1697Gln (NM_033407.4); short protein forms R1719Q, R1728Q, R1688Q, R1697Q.
Identifiers: ClinVar variation 851820 (VCV000851820.8), dbSNP rs112699430, ClinGen allele CA885534.

ClinVar aggregate classification (germline): Uncertain significance (1 of 4 stars; one submission).

Conditions:
Developmental and epileptic encephalopathy, 23 (DEE23). Also called: Epileptic encephalopathy, early infantile, 23. Identifiers: Orphanet 411986, MedGen C4014492, MONDO:0014371, OMIM 615859.

Allele frequency attached by ClinVar (database versions not stated): gnomAD exomes 0.00003 and 0.00004; TOPMed 0.00003; gnomAD 0.00005 and 0.00007; ExAC 0.00007; ESP Exome Variant Server 0.00008; 1000 Genomes Project 0.00060; 1000 Genomes Project 30x 0.00078.
gnomAD v4.1: 66 of 1,602,960 alleles (0.0041%); highest among the groups gnomAD compares: African/African-American, 0.012%; no homozygotes.

Submission:

Labcorp Genetics (formerly Invitae), Labcorp
Classification: Uncertain significance for Developmental and epileptic encephalopathy, 23. Last evaluated: 2022-09-01. Review status: criteria provided, single submitter. Criteria: Invitae Variant Classification Sherloc (09022015). Collection method: clinical testing. Allele origin: germline.
Comment: In summary, the available evidence is currently insufficient to determine the role of this variant in disease. Therefore, it has been classified as a Variant of Uncertain Significance. Algorithms developed to predict the effect of missense changes on protein structure and function (SIFT, PolyPhen-2, Align-GVGD) all suggest that this variant is likely to be tolerated. ClinVar contains an entry for this variant (Variation ID: 851820). This missense change has been observed in individual(s) with autism spectrum disorder (PMID: 25363768, 31785789). This variant is present in population databases (rs112699430, gnomAD 0.02%). This sequence change replaces arginine, which is basic and polar, with glutamine, which is neutral and polar, at codon 1719 of the DOCK7 protein (p.Arg1719Gln).

Literature cited by the submitters: PubMed 25363768; PubMed 31785789.